The following is an entry in ClinVar:

NM_178862.3(STT3B):c.315-4C>G

Gene: STT3B (STT3 oligosaccharyltransferase complex catalytic subunit B; plus strand). Cytogenetic location: 3p23.
Variant type: single nucleotide variant.
Coding change: c.315-4C>G on transcript NM_178862.3 (MANE Select); 4 bases into the intron before coding-DNA position 315, C replaced by G.
Molecular consequence: intron variant.
Genome position (GRCh38, 1-based): chr3:31,576,392, C>G. VCF-style: chr3-31576392-C-G. GRCh37 (hg19) VCF-style: chr3-31617884-C-G.
Other names: NC_000003.11:g.31617884C>G.
Identifiers: ClinVar variation 388759 (VCV000388759.6), dbSNP rs745905033, ClinGen allele CA2294920.
Genomic context (GRCh38, chr3:31,576,392, plus strand): 5'-TATAAAGAAGGAGCTATTTCTATTAAGCAGTTTTATAACATTTCTTTTTATCTCTTTTCT[C>G]TAGGTTTAACTATAGATCAACACATCATCTTGCATCTCATGGGTTCTATGAATTTTTAAA-3'

ClinVar aggregate classification (germline): Likely benign. Review status: criteria provided, multiple submitters, no conflicts (2 of 4 stars). 2 submissions from 2 submitters: Likely benign (2). Last evaluated 2026-01-25.

Conditions:
STT3B-congenital disorder of glycosylation. Also called: CDG Ix; Congenital disorder of glycosylation type 1x; STT3B-CDG. Identifiers: Orphanet 370924, MedGen C2931007, MONDO:0014271, OMIM 615597.

Allele frequency attached by ClinVar (database versions not stated): gnomAD 0.00002 and 0.00003; TOPMed 0.00004; gnomAD exomes 0.00007; ExAC 0.00009.
gnomAD v4.1: 42 of 1,535,002 alleles (0.0027%); highest among the groups gnomAD compares: East Asian, 0.092%; no homozygotes.

Submissions (3):

Labcorp Genetics (formerly Invitae), Labcorp
Classification: Likely benign for STT3B-congenital disorder of glycosylation. Last evaluated: 2026-01-25. Review status: criteria provided, single submitter. Criteria: Invitae Variant Classification Sherloc (09022015). Collection method: clinical testing. Allele origin: germline.

GeneDx
Classification: Likely benign. Last evaluated: 2016-10-25. Review status: criteria provided, single submitter. Criteria: GeneDx Variant Classification (06012015). Collection method: clinical testing. Allele origin: germline. Affected: yes.
Comment: This variant is considered likely benign or benign based on one or more of the following criteria: it is a conservative change, it occurs at a poorly conserved position in the protein, it is predicted to be benign by multiple in silico algorithms, and/or has population frequency not consistent with disease.

Dr. Peter K. Rogan Lab, Western University
No classification provided (evidence only). Condition: Acute myeloid leukemia. Review status: no classification provided. Collection method: in vitro. Allele origin: not applicable. Functional consequence: skipped exon, retained intron. Not counted in ClinVar's aggregate classification.